The following is an entry in ClinVar:

ClinVar aggregate classification (germline): Likely pathogenic (1 of 4 stars; one submission).

Submission:

Dasa
Classification: Likely pathogenic. Last evaluated: 2025-05-26. Review status: criteria provided, single submitter. Criteria: DASA Assertion Criteria. Collection method: clinical testing. Allele origin: germline.
Comment: NM_001042492.3(NF1):c.3733del (p.Thr1245Leufs*21) is a frameshift variant in NF1 predicted to alter the reading frame and introduce a premature termination codon and is predicted to result in an absent or altered protein product. Loss of function is an established disease mechanism for NF1 (PMID: 1757093; PMID: 1302608; PMID: 34427956). Also, this variant is absent from population databases. Based on the currently available evidence, this variant is classified as likely pathogenic.

Literature cited by the submitters: PubMed 1757093; PubMed 1302608; PubMed 34427956.

NM_001042492.3(NF1):c.3733del (p.Thr1245fs)

Gene: NF1 (neurofibromin 1; plus strand). Cytogenetic location: 17q11.2.
Variant type: Deletion.
Coding change: c.3733del on transcript NM_001042492.3 (MANE Select); coding-DNA position 3733, one base deleted (A; older notation c.3733delA).
Protein change: p.Thr1245fs; shifts the reading frame from threonine 1245.
Molecular consequence: frameshift variant.
Genome position (GRCh38, 1-based): chr17:31,235,635, A deleted. VCF-style (leftmost placement, unchanged base first): chr17-31235634-TA-T. GRCh37 (hg19) VCF-style: chr17-29562652-TA-T.
Other names: c.3733del, p.Thr1245fs (NM_000267.4); short protein forms T1245fs.
Identifiers: ClinVar variation 4886509 (VCV004886509.2).